The following is an entry in ClinVar:

ClinVar aggregate classification (germline): Uncertain significance (1 of 4 stars; one submission).

Conditions:
Spermatogenic failure 18. Identifiers: MedGen C4539783, MONDO:0054615, OMIM 617576.
Ciliary dyskinesia, primary, 37 (CILD37). Also called: CILIARY DYSKINESIA, PRIMARY, 37, WITH OR WITHOUT SITUS INVERSUS. Identifiers: MedGen C4539798, MONDO:0033204, OMIM 617577.

Allele frequency attached by ClinVar (database versions not stated): TOPMed 0.00004; ExAC 0.00006; gnomAD exomes 0.00002; gnomAD 0.00004.
gnomAD v4.1: 30 of 1,602,134 alleles (0.0019%); highest among the groups gnomAD compares: Admixed American, 0.023%; no homozygotes.

Submission:

Labcorp Genetics (formerly Invitae), Labcorp
Classification: Uncertain significance for Ciliary dyskinesia, primary, 37; Spermatogenic failure 18. Last evaluated: 2022-05-11. Review status: criteria provided, single submitter. Criteria: Invitae Variant Classification Sherloc (09022015). Collection method: clinical testing. Allele origin: germline.
Comment: This sequence change replaces arginine, which is basic and polar, with glutamine, which is neutral and polar, at codon 1285 of the DNAH1 protein (p.Arg1285Gln). This variant is present in population databases (rs750015574, gnomAD 0.02%). This variant has not been reported in the literature in individuals affected with DNAH1-related conditions. Algorithms developed to predict the effect of missense changes on protein structure and function (SIFT, PolyPhen-2, Align-GVGD) all suggest that this variant is likely to be tolerated. In summary, the available evidence is currently insufficient to determine the role of this variant in disease. Therefore, it has been classified as a Variant of Uncertain Significance.

NM_015512.5(DNAH1):c.3854G>A (p.Arg1285Gln)

Gene: DNAH1 (dynein axonemal heavy chain 1; plus strand). Cytogenetic location: 3p21.1.
Variant type: single nucleotide variant.
Coding change: c.3854G>A on transcript NM_015512.5 (MANE Select); coding-DNA position 3854, G replaced by A.
Protein change: p.Arg1285Gln; replaces arginine 1285 with glutamine.
Molecular consequence: missense variant.
Genome position (GRCh38, 1-based): chr3:52,356,774, G>A. VCF-style: chr3-52356774-G-A. GRCh37 (hg19) VCF-style: chr3-52390790-G-A.
Other names: short protein forms R1285Q.
Identifiers: ClinVar variation 2165343 (VCV002165343.4), dbSNP rs750015574, ClinGen allele CA2433712.